The following is an entry in ClinVar:

ClinVar aggregate classification (germline): Conflicting classifications of pathogenicity. Review status: criteria provided, conflicting classifications (1 of 4 stars). 6 submissions from 6 submitters: Uncertain significance (2); Benign (1); Likely benign (3). Last evaluated 2025-05-28.

Conditions:
MET-related disorder. Also called: MET-related condition.
Hereditary cancer-predisposing syndrome. Also called: Tumor predisposition; Neoplastic Syndromes, Hereditary; Hereditary neoplastic syndrome; Hereditary Cancer Syndrome. Identifiers: Orphanet 140162, MedGen C0027672, MeSH D009386, MONDO:0015356.
Renal cell carcinoma. Identifiers: Orphanet 217071, MedGen C0007134, MeSH D002292, MONDO:0005086, HP:0005584.
Papillary renal cell carcinoma type 1 (RCCP1). Also called: RENAL CELL CARCINOMA, PAPILLARY, 1, SOMATIC; Renal adenocarcinoma; Renal cell carcinoma 1; Renal cell carcinoma, somatic. Identifiers: Orphanet 47044, MedGen C1336839, OMIM 605074, HP:0011797.

Allele frequency attached by ClinVar (database versions not stated): gnomAD exomes below 0.00001 and 0.00001; ExAC 0.00001; gnomAD 0.00001; TOPMed 0.00001.
gnomAD v4.1: 10 of 1,614,052 alleles (0.00062%); highest among the groups gnomAD compares: African/African-American, 0.0013%; no homozygotes.

Submissions (6):

Labcorp Genetics (formerly Invitae), Labcorp
Classification: Likely benign for Renal cell carcinoma. Last evaluated: 2025-05-28. Review status: criteria provided, single submitter. Criteria: Invitae Variant Classification Sherloc (09022015). Collection method: clinical testing. Allele origin: germline.

Myriad Genetics, Inc.
Classification: Benign for Papillary renal cell carcinoma type 1. Last evaluated: 2024-11-14. Review status: criteria provided, single submitter. Criteria: Myriad Autosomal Dominant, Autosomal Recessive and X-Linked Classification Criteria (2023). Collection method: clinical testing. Allele origin: unknown.
Comment: This variant is considered benign. This variant is a silent/synonymous amino acid change and it is not expected to impact splicing.

PreventionGenetics, part of Exact Sciences
Classification: Uncertain significance for MET-related condition. Last evaluated: 2022-12-30. Review status: criteria provided, single submitter. Criteria: ACMG Guidelines, 2015. Collection method: clinical testing. Allele origin: germline.
Comment: The MET c.3918C>T variant is not predicted to result in an amino acid change (p.=). This variant is predicted to alter splicing based on available splicing prediction programs (Alamut Visual Plus v1.6.1). However, the use of computer prediction programs is not equivalent to functional evidence. To our knowledge, this variant has not been reported in the literature. This variant is reported in 2 of ~281,000 alleles in gnomAD and has conflicting interpretations of likely benign and uncertain significance in ClinVar. At this time, the clinical significance of this variant is uncertain due to the absence of conclusive functional and genetic evidence.

Sema4
Classification: Uncertain significance for Hereditary cancer-predisposing syndrome. Last evaluated: 2021-09-16. Review status: criteria provided, single submitter. Criteria: Sema4 Curation Guidelines. Collection method: curation. Allele origin: germline.
Comment: The MET c.3918C>T (p.N1306=) variant has not been reported in literature to our knowledge. This variant was observed in 2/128640 chromosomes in the Non-Finnish European population according to the Genome Aggregation Database (PMID: 32461654). This variant has been reported in ClinVar (Variation ID 416935). In silico tools that predict the effect of sequence changes on splicing suggest that this variant may impact splicing, though these predictions have not been confirmed by functional studies. The overall evidence is insufficient to meet ACMG/AMP criteria for classifying it as benign or pathogenic. In summary, the clinical significance of this variant is currently uncertain.

GeneDx
Classification: Likely benign. Last evaluated: 2021-04-30. Review status: criteria provided, single submitter. Criteria: GeneDx Variant Classification Process June 2021. Collection method: clinical testing. Allele origin: germline. Affected: yes.

Ambry Genetics
Classification: Likely benign for Hereditary cancer-predisposing syndrome. Last evaluated: 2020-09-28. Review status: criteria provided, single submitter. Criteria: Ambry Variant Classification Scheme 2023. Collection method: clinical testing. Allele origin: germline.

NM_000245.4(MET):c.3864C>T (p.Asn1288=)

Gene: MET (MET proto-oncogene, receptor tyrosine kinase; plus strand). Cytogenetic location: 7q31.2.
Variant type: single nucleotide variant.
Coding change: c.3864C>T on transcript NM_000245.4 (MANE Select); coding-DNA position 3864, C replaced by T.
Protein change: p.Asn1288=; no amino-acid change (asparagine 1288 retained).
Molecular consequence: synonymous variant.
Genome position (GRCh38, 1-based): chr7:116,795,720, C>T. VCF-style: chr7-116795720-C-T. GRCh37 (hg19) VCF-style: chr7-116435774-C-T.
Other names: c.3918C>T (LRG_662t1, NM_001127500.2); c.3918C>T, p.Asn1306= (NM_001127500.3); c.2574C>T, p.Asn858= (NM_001324402.2).
Identifiers: ClinVar variation 416935 (VCV000416935.18), dbSNP rs768627036, ClinGen allele CA4448792.